The following is an entry in ClinVar:

NM_003482.4(KMT2D):c.10941T>G (p.Pro3647=)

Gene: KMT2D (lysine methyltransferase 2D; minus strand). Cytogenetic location: 12q13.12.
Variant type: single nucleotide variant.
Coding change: c.10941T>G on transcript NM_003482.4 (MANE Select); coding-DNA position 10941, T replaced by G.
Protein change: p.Pro3647=; no amino-acid change (proline 3647 retained).
Molecular consequence: synonymous variant.
Genome position (GRCh38, 1-based): chr12:49,033,764, A>C on the plus strand (T>G on the coding strand, the complement: KMT2D is on the minus strand). VCF-style: chr12-49033764-A-C. GRCh37 (hg19) VCF-style: chr12-49427547-A-C.
Identifiers: ClinVar variation 4916594 (VCV004916594.2).

ClinVar aggregate classification (germline): Likely benign. Review status: criteria provided, multiple submitters, no conflicts (2 of 4 stars). 2 submissions from 2 submitters: Likely benign (2). Last evaluated 2025-07-31.

Conditions:
KMT2D-related disorder. Also called: KMT2D-Related Disorders.

gnomAD v4.1: 2 of 1,611,502 alleles (0.00012%); highest among the groups gnomAD compares: East Asian, 0.0045%; no homozygotes.

Submissions (2):

PreventionGenetics, part of Exact Sciences
Classification: Likely benign for KMT2D-related condition. Last evaluated: 2025-07-31. Review status: criteria provided, single submitter. Criteria: ACMG Guidelines, 2015. Collection method: clinical testing. Allele origin: germline.
Comment: This variant is classified as likely benign based on ACMG/AMP sequence variant interpretation guidelines (Richards et al. 2015 PMID: 25741868, with internal and published modifications).

Blueprint Genetics
Classification: Likely benign. Last evaluated: 2022-08-23. Review status: criteria provided, single submitter. Criteria: ACMG Guidelines, 2015. Collection method: clinical testing. Allele origin: germline.